The following is an entry in ClinVar:

ClinVar aggregate classification (germline): Uncertain significance (1 of 4 stars; one submission).

Conditions:
Cardiovascular phenotype. Identifiers: MedGen CN230736.
Hereditary cancer-predisposing syndrome. Also called: Neoplastic Syndromes, Hereditary; Tumor predisposition; Hereditary Cancer Syndrome; Hereditary neoplastic syndrome. Identifiers: Orphanet 140162, MedGen C0027672, MeSH D009386, MONDO:0015356.

Allele frequency attached by ClinVar (database versions not stated): gnomAD exomes below 0.00001.

Submission:

Ambry Genetics
Classification: Uncertain significance for Cardiovascular phenotype; Hereditary cancer-predisposing syndrome. Last evaluated: 2022-04-07. Review status: criteria provided, single submitter. Criteria: Ambry Variant Classification Scheme 2023. Collection method: clinical testing. Allele origin: germline.
Comment: The p.P225T variant (also known as c.673C>A), located in coding exon 8 of the LZTR1 gene, results from a C to A substitution at nucleotide position 673. The proline at codon 225 is replaced by threonine, an amino acid with highly similar properties. This amino acid position is conserved. In addition, the in silico prediction for this alteration is inconclusive. Since supporting evidence is limited at this time, the clinical significance of this alteration remains unclear.

NM_006767.4(LZTR1):c.673C>A (p.Pro225Thr)

Gene: LZTR1 (leucine zipper like post translational regulator 1; plus strand). Cytogenetic location: 22q11.21.
Variant type: single nucleotide variant.
Coding change: c.673C>A on transcript NM_006767.4 (MANE Select); coding-DNA position 673, C replaced by A.
Protein change: p.Pro225Thr; replaces proline 225 with threonine.
Molecular consequence: missense variant.
Genome position (GRCh38, 1-based): chr22:20,990,407, C>A. VCF-style: chr22-20990407-C-A. GRCh37 (hg19) VCF-style: chr22-21344696-C-A.
Other names: short protein forms P225T.
Identifiers: ClinVar variation 1755178 (VCV001755178.2), dbSNP rs1924563615, ClinGen allele CA410780451.
Genomic context (GRCh38, chr22:20,990,407, plus strand): 5'-CCTGTGAGGCCGGGGCTGAGCTGTCCTCTCCCCCTGCAGGTGGCCCAGAGTGGCGAGATC[C>A]CCCCATCTTGCTGCAACTTCCCCGTGGCTGTGTGCCGGGACAAGATGTTTGTATTCTCTG-3'
Protein context (NP_006758.2, residues 215-235): WEEVAQSGEI[Pro225Thr]PSCCNFPVAV